The following is an entry in ClinVar:

ClinVar aggregate classification (germline): Uncertain significance (1 of 4 stars; one submission).

Conditions:
Martsolf syndrome (MARTS). Also called: Congenital cataract with intellectual disability and hypogonadotropic hypogonadism syndrome. Identifiers: Orphanet 1387, MedGen C0796037, MONDO:0023910.
Warburg micro syndrome 2 (WARBM2). Also called: MICRO SYNDROME 2. Identifiers: Orphanet 2510, MedGen C3280214, MONDO:0013641, OMIM 614225.

Allele frequency attached by ClinVar (database versions not stated): gnomAD 0.00001; TOPMed 0.00001; ExAC 0.00006.

Submission:

Labcorp Genetics (formerly Invitae), Labcorp
Classification: Uncertain significance for Martsolf syndrome; Warburg micro syndrome 2. Last evaluated: 2022-07-20. Review status: criteria provided, single submitter. Criteria: Invitae Variant Classification Sherloc (09022015). Collection method: clinical testing. Allele origin: germline.
Comment: In summary, the available evidence is currently insufficient to determine the role of this variant in disease. Therefore, it has been classified as a Variant of Uncertain Significance. Algorithms developed to predict the effect of missense changes on protein structure and function are either unavailable or do not agree on the potential impact of this missense change (SIFT: "Tolerated"; PolyPhen-2: "Probably Damaging"; Align-GVGD: "Class C0"). This variant has not been reported in the literature in individuals affected with RAB3GAP2-related conditions. This variant is present in population databases (rs747770349, gnomAD 0.006%). This sequence change replaces arginine, which is basic and polar, with cysteine, which is neutral and slightly polar, at codon 166 of the RAB3GAP2 protein (p.Arg166Cys).

NM_012414.4(RAB3GAP2):c.496C>T (p.Arg166Cys)

Gene: RAB3GAP2 (RAB3 GTPase activating non-catalytic protein subunit 2; minus strand). Cytogenetic location: 1q41.
Variant type: single nucleotide variant.
Coding change: c.496C>T on transcript NM_012414.4 (MANE Select); coding-DNA position 496, C replaced by T.
Protein change: p.Arg166Cys; replaces arginine 166 with cysteine.
Molecular consequence: missense variant.
Genome position (GRCh38, 1-based): chr1:220,210,815, G>A on the plus strand (C>T on the coding strand, the complement: RAB3GAP2 is on the minus strand). VCF-style: chr1-220210815-G-A. GRCh37 (hg19) VCF-style: chr1-220384157-G-A.
Other names: short protein forms R166C.
Identifiers: ClinVar variation 1975307 (VCV001975307.5), dbSNP rs747770349, ClinGen allele CA1403004.
Genomic context (GRCh38, chr1:220,210,815, plus strand): 5'-TATTGCAGTCAACTAGTGTTTTCCAGCTGTTGAAAACTCAACTCACCTCAGTGTAGAAGC[G>A]TACATAACCTGAAGTAAAACCCACCACAATGCAGGTCCAGTCAGGACGCCCAGTGGAACT-3'
Protein context (NP_036546.2, residues 156-176): IVVGFTSGYV[Arg166Cys]FYTENGVLLL